The following is an entry in ClinVar:

ClinVar aggregate classification (germline): Pathogenic/Likely pathogenic. Review status: criteria provided, multiple submitters, no conflicts (2 of 4 stars). 13 submissions from 13 submitters: Pathogenic (12); Likely pathogenic (1). Last evaluated 2026-05-01.

Conditions:
ETFDH-related disorder. Also called: ETFDH-related condition.
Glutaric acidemia type 2C.
Multiple acyl-CoA dehydrogenase deficiency (MADD). Also called: Glutaric aciduria, type 2; Glutaric acidemia type II; GA 2; ETHYLMALONIC-ADIPICACIDURIA; GA II; Glutaric Acidemia type 2. Identifiers: Orphanet 26791, MedGen C0268596, MONDO:0009282, OMIM 231680.

Allele frequency attached by ClinVar (database versions not stated): TOPMed 0.00003; ExAC 0.00006; gnomAD exomes 0.00004; gnomAD 0.00005 and 0.00006.
gnomAD v4.1: 151 of 1,610,588 alleles (0.0094%); highest among the groups gnomAD compares: Non-Finnish European, 0.011%; no homozygotes.

Submissions (13):

CeGaT Center for Human Genetics Tuebingen
Classification: Pathogenic. Last evaluated: 2026-05-01. Review status: criteria provided, single submitter. Criteria: CeGaT Center For Human Genetics Tuebingen Variant Classification Criteria Version 2. Collection method: clinical testing. Allele origin: germline. Affected: yes. Observed: 1 variant allele.
Comment: ETFDH: PM3:Very Strong, PM1, PM2, PM5, PP3, PS3:Supporting

Natera, Inc.
Classification: Pathogenic for Glutaric acidemia type 2C. Last evaluated: 2025-12-17. Review status: criteria provided, single submitter. Criteria: Natera Variant Classification Schema (03/2026). Collection method: clinical testing. Allele origin: germline.
Comment: The c.1367C>T variant in ETFDH is a missense variant predicted to cause substitution of proline to leucine at amino acid 456. This variant is rare in the general population with a frequency below the threshold expected for the associated phenotype(s). This variant has been observed in one or more individuals affected with the associated recessive disease, as either homozygous or compound heterozygous with a second variant (PMID: 17584774, 40827880). Additionally, this variant has been observed to segregate in affected family members (PMID: 17584774). A different variant at the same position has been determined to be Pathogenic or Likely Pathogenic. Computational prediction algorithms indicate this variant is likely to affect gene or protein function. Given the available evidence, this variant is classified as Pathogenic.

Labcorp Genetics (formerly Invitae), Labcorp
Classification: Pathogenic for Multiple acyl-CoA dehydrogenase deficiency. Last evaluated: 2025-11-12. Review status: criteria provided, single submitter. Criteria: Invitae Variant Classification Sherloc (09022015). Collection method: clinical testing. Allele origin: germline.
Comment: This sequence change replaces proline, which is neutral and non-polar, with leucine, which is neutral and non-polar, at codon 456 of the ETFDH protein (p.Pro456Leu). This variant is present in population databases (rs398124152, gnomAD 0.007%). This missense change has been observed in individuals with multiple acyl-CoA dehydrogenase deficiency (PMID: 12359134, 17412732, 17584774, 23727839, 26403312). ClinVar contains an entry for this variant (Variation ID: 95072). Invitae Evidence Modeling of protein sequence and biophysical properties (such as structural, functional, and spatial information, amino acid conservation, physicochemical variation, residue mobility, and thermodynamic stability) has been performed for this missense variant. However, the output from this modeling did not meet the statistical confidence thresholds required to predict the impact of this variant on ETFDH protein function. Experimental studies have shown that this missense change affects ETFDH function (PMID: 22611163, 23727839). This variant disrupts the p.Pro456 amino acid residue in ETFDH. Other variant(s) that disrupt this residue have been observed in individuals with ETFDH-related conditions (PMID: 17412732, 17584774, 23727839, 26403312, 27038534), which suggests that this may be a clinically significant amino acid residue. For these reasons, this variant has been classified as Pathogenic.

Genomic Medicine Center of Excellence, King Faisal Specialist Hospital and Research Centre
Classification: Likely pathogenic for Multiple acyl-CoA dehydrogenase deficiency. Last evaluated: 2025-09-10. Review status: criteria provided, single submitter. Criteria: ACMG Guidelines, 2015. Collection method: clinical testing. Allele origin: germline.

Revvity Omics, Revvity
Classification: Pathogenic for Multiple acyl-CoA dehydrogenase deficiency. Last evaluated: 2024-11-14. Review status: criteria provided, single submitter. Criteria: ACMG Guidelines, 2015. Collection method: clinical testing. Allele origin: germline.

Blueprint Genetics
Classification: Pathogenic for ETFDH-related disorders. Last evaluated: 2024-04-30. Review status: criteria provided, single submitter. Criteria: ACMG Guidelines, 2015. Collection method: clinical testing. Allele origin: germline. Affected: yes. Observed: 5 variant alleles.

Fulgent Genetics
Classification: Pathogenic for Multiple acyl-CoA dehydrogenase deficiency. Last evaluated: 2024-04-25. Review status: criteria provided, single submitter. Criteria: ACMG Guidelines, 2015. Collection method: clinical testing. Allele origin: germline.

3billion
Classification: Pathogenic for Multiple acyl-CoA dehydrogenase deficiency. Last evaluated: 2024-03-11. Review status: criteria provided, single submitter. Criteria: ACMG Guidelines, 2015. Collection method: clinical testing. Allele origin: germline. Affected: yes.
Comment: The variant is observed at an extremely low frequency in the gnomAD v2.1.1 dataset (total allele frequency: 0.004%). Predicted Consequence/Location: Missense variant In silico tool predictions suggest damaging effect of the variant on gene or gene product [REVEL: 0.89 (>=0.6, sensitivity 0.68 and specificity 0.92); 3Cnet: 0.95 (>=0.6, sensitivity 0.72 and precision 0.9)]. Same nucleotide change resulting in same amino acid change has been previously reported as pathogenic/likely pathogenic with strong evidence (ClinVar ID: VCV000095072 /PMID: 12359134). The variant has been reported to be in trans with a pathogenic variant as either compound heterozygous or homozygous in at least one similarly affected unrelated individual (PMID: 17584774). Different missense changes at the same codon (p.Pro456Ala, p.Pro456Gln, p.Pro456Ser, p.Pro456Thr) have been reported as pathogenic/likely pathogenic with strong evidence (ClinVar ID: VCV000374577, VCV001494930 /PMID: 17584774, 32007756). Therefore, this variant is classified as Pathogenic according to the recommendation of ACMG/AMP guideline.

Baylor Genetics
Classification: Pathogenic for Multiple acyl-CoA dehydrogenase deficiency. Last evaluated: 2024-02-06. Review status: criteria provided, single submitter. Criteria: ACMG Guidelines, 2015. Collection method: clinical testing. Allele origin: unknown.

GeneDx
Classification: Pathogenic. Last evaluated: 2023-08-10. Review status: criteria provided, single submitter. Criteria: GeneDx Variant Classification Process June 2021. Collection method: clinical testing. Allele origin: germline. Affected: yes.
Comment: Published functional studies demonstrate a reduction in enzyme activity compared to wildtype, supporting a damaging effect (Cornelius et al., 2012); In silico analysis supports that this missense variant has a deleterious effect on protein structure/function; Not observed at significant frequency in large population cohorts (gnomAD); This variant is associated with the following publications: (PMID: 18836889, 22611163, 23727839, 12359134, 26403312, 17412732, 22190129, 19265687, 18289905, 23052622, 17584774, 32087359, 31904027, 36406819)

Women's Health and Genetics/Laboratory Corporation of America, LabCorp
Classification: Pathogenic for Multiple acyl-CoA dehydrogenase deficiency. Last evaluated: 2022-08-12. Review status: criteria provided, single submitter. Criteria: LabCorp Variant Classification Summary - May 2015. Collection method: clinical testing. Allele origin: germline.
Comment: Variant summary: ETFDH c.1367C>T (p.Pro456Leu) results in a non-conservative amino acid change in the encoded protein sequence. Five of five in-silico tools predict a damaging effect of the variant on protein function. The variant allele was found at a frequency of 4.4e-05 in 251324 control chromosomes. This frequency is not significantly higher than estimated for a pathogenic variant in ETFDH causing Glutaric Aciduria, Type 2c (4.4e-05 vs 0.0011), allowing no conclusion about variant significance. c.1367C>T has been reported in the literature as a homozygous/compound heterozygous genotype in multiple individuals affected with Riboflavin responsive Glutaric Aciduria, Type 2c (example, Goodman_2002, Olsen_2007). These data indicate that the variant is very likely to be associated with disease. At least one publication reports experimental evidence evaluating an impact on protein function (Cornelius_2013). The most pronounced variant effect results in impaired thermal stability and increased reactive oxygen species in an HEK-293 in-vitro system. Five clinical diagnostic laboratories have submitted clinical-significance assessments for this variant to ClinVar after 2014 without evidence for independent evaluation. All laboratories classified the variant as pathogenic. Based on the evidence outlined above, the variant was classified as pathogenic.

Center for Pediatric Genomic Medicine, Children's Mercy Hospital and Clinics
Classification: Pathogenic. Last evaluated: 2015-06-10. Review status: criteria provided, single submitter. Criteria: ACMG Guidelines, 2015. Collection method: clinical testing. Allele origin: germline.

Eurofins Ntd Llc (ga)
Classification: Pathogenic. Last evaluated: 2012-08-20. Review status: criteria provided, single submitter. Criteria: EGL Classification Definitions. Collection method: clinical testing. Allele origin: germline. Observed: 2 variant alleles, 2 heterozygotes.

Literature cited by the submitters: PubMed 17584774 (cited by 4 submitters); PubMed 40827880 (cited by Natera, Inc.); PubMed 12359134 (cited by 3 submitters); PubMed 17412732 (cited by Labcorp Genetics (formerly Invitae), Labcorp); PubMed 23727839 (cited by Labcorp Genetics (formerly Invitae), Labcorp and Women's Health and Genetics/Laboratory Corporation of America, LabCorp); PubMed 26403312 (cited by Labcorp Genetics (formerly Invitae), Labcorp); PubMed 22611163 (cited by Labcorp Genetics (formerly Invitae), Labcorp); PubMed 27038534 (cited by Labcorp Genetics (formerly Invitae), Labcorp).

NM_004453.4(ETFDH):c.1367C>T (p.Pro456Leu)

Gene: ETFDH (electron transfer flavoprotein dehydrogenase; plus strand). Cytogenetic location: 4q32.1.
Variant type: single nucleotide variant.
Coding change: c.1367C>T on transcript NM_004453.4 (MANE Select); coding-DNA position 1367, C replaced by T.
Protein change: p.Pro456Leu; replaces proline 456 with leucine.
Molecular consequence: missense variant.
Genome position (GRCh38, 1-based): chr4:158,706,270, C>T. VCF-style: chr4-158706270-C-T. GRCh37 (hg19) VCF-style: chr4-159627422-C-T.
Other names: p.P456L:CCG>CTG; c.1226C>T, p.Pro409Leu (NM_001281737.2); c.1184C>T, p.Pro395Leu (NM_001281738.1); short protein forms P456L, P395L, P409L.
Identifiers: ClinVar variation 95072 (VCV000095072.29), dbSNP rs398124152, ClinGen allele CA285628.